The following is an entry in ClinVar:

NM_001130438.3(SPTAN1):c.5944G>T (p.Ala1982Ser)

Gene: SPTAN1 (spectrin alpha, non-erythrocytic 1; plus strand). Cytogenetic location: 9q34.11.
Variant type: single nucleotide variant.
Coding change: c.5944G>T on transcript NM_001130438.3 (MANE Select); coding-DNA position 5944, G replaced by T.
Protein change: p.Ala1982Ser; replaces alanine 1982 with serine.
Molecular consequence: missense variant.
Genome position (GRCh38, 1-based): chr9:128,624,439, G>T. VCF-style: chr9-128624439-G-T. GRCh37 (hg19) VCF-style: chr9-131386718-G-T.
Other names: c.5869G>T, p.Ala1957Ser (NM_001195532.2); c.5944G>T, p.Ala1982Ser (NM_001363759.2, NM_001375310.1, NM_001375311.2 and 1 more transcripts); c.5884G>T, p.Ala1962Ser (NM_001363765.2, NM_001375314.2); c.5980G>T, p.Ala1994Ser (NM_001375312.2, NM_001375318.1); c.5929G>T, p.Ala1977Ser (NM_003127.4); short protein forms A1977S, A1982S, A1962S, A1957S, A1994S.
Identifiers: ClinVar variation 1482007 (VCV001482007.7), dbSNP rs2131923594, ClinGen allele CA375082898.

ClinVar aggregate classification (germline): Uncertain significance (1 of 4 stars; one submission).

Conditions:
Early-infantile DEE. Also called: Early infantile epileptic encephalopathy with suppression bursts; Early infantile epileptic encephalopathy; Ohtahara syndrome. Identifiers: Orphanet 1934, MedGen C0393706, MONDO:0800491.

Submission:

Labcorp Genetics (formerly Invitae), Labcorp
Classification: Uncertain significance for Early-infantile DEE. Last evaluated: 2022-08-23. Review status: criteria provided, single submitter. Criteria: Invitae Variant Classification Sherloc (09022015). Collection method: clinical testing. Allele origin: germline.
Comment: This sequence change replaces alanine, which is neutral and non-polar, with serine, which is neutral and polar, at codon 1982 of the SPTAN1 protein (p.Ala1982Ser). This variant is not present in population databases (gnomAD no frequency). This variant has not been reported in the literature in individuals affected with SPTAN1-related conditions. ClinVar contains an entry for this variant (Variation ID: 1482007). Algorithms developed to predict the effect of missense changes on protein structure and function (SIFT, PolyPhen-2, Align-GVGD) all suggest that this variant is likely to be disruptive. In summary, the available evidence is currently insufficient to determine the role of this variant in disease. Therefore, it has been classified as a Variant of Uncertain Significance.